The following is an entry in ClinVar:

ClinVar aggregate classification (germline): Uncertain significance. Review status: criteria provided, multiple submitters, no conflicts (2 of 4 stars). 7 submissions from 7 submitters: Uncertain significance (7). Last evaluated 2026-09-01.

Conditions:
Inborn genetic diseases. Identifiers: MedGen C0950123, MeSH D030342.
Epilepsy, idiopathic generalized, susceptibility to, 11 (EIG11). Identifiers: Orphanet 307, MedGen C2750893, MONDO:0011875, OMIM 607628.
Leukoencephalopathy with mild cerebellar ataxia and white matter edema (LKPAT). Also called: CLCN2-Related Leukoencephalopathy; Leukoencephalopathy with ataxia; Leukoencephalopathy with white matter edema; Brain white matter edema. Identifiers: Orphanet 363540, MedGen C4554120, MONDO:0014292, OMIM 615651. Disease mechanism: loss of function.
Familial hyperaldosteronism type II. Also called: FH II. Identifiers: Orphanet 404, MedGen C1854107, MONDO:0011576, OMIM 605635.

Allele frequency attached by ClinVar (database versions not stated): TOPMed 0.00008; gnomAD exomes 0.00009 and 0.00013; gnomAD 0.00012; ExAC 0.00019.

Submissions (7):

CeGaT Center for Human Genetics Tuebingen
Classification: Uncertain significance. Last evaluated: 2026-09-01. Review status: criteria provided, single submitter. Criteria: CeGaT Center For Human Genetics Tuebingen Variant Classification Criteria Version 2. Collection method: clinical testing. Allele origin: germline. Affected: yes. Observed: 2 variant alleles.
Comment: CLCN2: PM2, PP3

GeneDx
Classification: Uncertain significance. Last evaluated: 2025-06-23. Review status: criteria provided, single submitter. Criteria: GeneDx Variant Classification Process June 2021. Collection method: clinical testing. Allele origin: germline. Affected: yes.
Comment: In silico analysis suggests that this missense variant does not alter protein structure/function; Has not been previously published as pathogenic or benign to our knowledge

Ambry Genetics
Classification: Uncertain significance for Inborn genetic diseases. Last evaluated: 2025-06-09. Review status: criteria provided, single submitter. Criteria: Ambry Variant Classification Scheme 2023. Collection method: clinical testing. Allele origin: germline.

Mayo Clinic Laboratories, Mayo Clinic
Classification: Uncertain significance. Last evaluated: 2024-11-15. Review status: criteria provided, single submitter. Criteria: ACMG Guidelines, 2015. Collection method: clinical testing. Allele origin: germline. Observed: 1 variant allele.

Blueprint Genetics
Classification: Uncertain significance. Last evaluated: 2024-06-24. Review status: criteria provided, single submitter. Criteria: ACMG Guidelines, 2015. Collection method: clinical testing. Allele origin: germline.

Fulgent Genetics
Classification: Uncertain significance for Familial hyperaldosteronism type II; Epilepsy, idiopathic generalized, susceptibility to, 11; Leukoencephalopathy with mild cerebellar ataxia and white matter edema. Last evaluated: 2024-06-12. Review status: criteria provided, single submitter. Criteria: ACMG Guidelines, 2015. Collection method: clinical testing. Allele origin: germline.

Labcorp Genetics (formerly Invitae), Labcorp
Classification: Uncertain significance. Last evaluated: 2021-04-10. Review status: criteria provided, single submitter. Criteria: Invitae Variant Classification Sherloc (09022015). Collection method: clinical testing. Allele origin: germline.
Comment: In summary, the available evidence is currently insufficient to determine the role of this variant in disease. Therefore, it has been classified as a Variant of Uncertain Significance. Algorithms developed to predict the effect of missense changes on protein structure and function (SIFT, PolyPhen-2, Align-GVGD) all suggest that this variant is likely to be disruptive, but these predictions have not been confirmed by published functional studies and their clinical significance is uncertain. This variant has not been reported in the literature in individuals with CLCN2-related conditions. This variant is present in population databases (rs200337116, ExAC 0.05%). This sequence change replaces valine with leucine at codon 534 of the CLCN2 protein (p.Val534Leu). The valine residue is highly conserved and there is a small physicochemical difference between valine and leucine.

NM_004366.6(CLCN2):c.1600G>C (p.Val534Leu)

Gene: CLCN2 (chloride voltage-gated channel 2; minus strand). Cytogenetic location: 3q27.1.
Variant type: single nucleotide variant.
Coding change: c.1600G>C on transcript NM_004366.6 (MANE Select); coding-DNA position 1600, G replaced by C.
Protein change: p.Val534Leu; replaces valine 534 with leucine.
Molecular consequence: missense variant.
Genome position (GRCh38, 1-based): chr3:184,354,222, C>G on the plus strand (G>C on the coding strand, the complement: CLCN2 is on the minus strand). VCF-style: chr3-184354222-C-G. GRCh37 (hg19) VCF-style: chr3-184072010-C-G.
Other names: p.Val534Leu; c.1549G>C, p.Val517Leu (NM_001171087.3); c.1468G>C, p.Val490Leu (NM_001171088.3); c.1600G>C, p.Val534Leu (NM_001171089.3); c.1600G>C (NM_004366.4); short protein forms V490L, V517L, V534L.
Identifiers: ClinVar variation 1335552 (VCV001335552.47), dbSNP rs200337116, ClinGen allele CA2734037.
Genomic context (GRCh38, chr3:184,354,222, plus strand): 5'-CATAGAGGGAGGGCTGCAGACTCTGGGCGACAGCGTTGGCCAGGATGACGGCGATCATGA[C>G]AGGCAGGATGTGGGCAATCTGGCCTGTGAGCTCGAACACGATCACAGCCGTGGACACTGT-3'
Protein context (NP_004357.3, residues 524-544): LTGQIAHILP[Val534Leu]MIAVILANAV